The following is an entry in ClinVar:

ClinVar aggregate classification (germline): Uncertain significance. Review status: criteria provided, multiple submitters, no conflicts (2 of 4 stars). 2 submissions from 2 submitters: Uncertain significance (2). Last evaluated 2025-03-05.

Conditions:
Inborn genetic diseases. Identifiers: MedGen C0950123, MeSH D030342.

Allele frequency attached by ClinVar (database versions not stated): ExAC 0.00006; ESP Exome Variant Server 0.00008; gnomAD 0.00009.
gnomAD v4.1: 102 of 1,610,350 alleles (0.0063%); highest among the groups gnomAD compares: African/African-American, 0.016%; 1 homozygote.

Submissions (2):

Ambry Genetics
Classification: Uncertain significance for Inborn genetic diseases. Last evaluated: 2025-03-05. Review status: criteria provided, single submitter. Criteria: Ambry Variant Classification Scheme 2023. Collection method: clinical testing. Allele origin: germline.

Labcorp Genetics (formerly Invitae), Labcorp
Classification: Uncertain significance. Last evaluated: 2022-09-07. Review status: criteria provided, single submitter. Criteria: Invitae Variant Classification Sherloc (09022015). Collection method: clinical testing. Allele origin: germline.
Comment: This sequence change replaces arginine, which is basic and polar, with cysteine, which is neutral and slightly polar, at codon 737 of the ADAMTSL4 protein (p.Arg737Cys). This variant is present in population databases (rs377733557, gnomAD 0.01%). This variant has not been reported in the literature in individuals affected with ADAMTSL4-related conditions. Algorithms developed to predict the effect of missense changes on protein structure and function (SIFT, PolyPhen-2, Align-GVGD) all suggest that this variant is likely to be disruptive. In summary, the available evidence is currently insufficient to determine the role of this variant in disease. Therefore, it has been classified as a Variant of Uncertain Significance.

NM_019032.6(ADAMTSL4):c.2209C>T (p.Arg737Cys)

Gene: ADAMTSL4 (ADAMTS like 4; plus strand). Cytogenetic location: 1q21.2.
Variant type: single nucleotide variant.
Coding change: c.2209C>T on transcript NM_019032.6 (MANE Select); coding-DNA position 2209, C replaced by T.
Protein change: p.Arg737Cys; replaces arginine 737 with cysteine.
Molecular consequence: missense variant.
Genome position (GRCh38, 1-based): chr1:150,557,976, C>T. VCF-style: chr1-150557976-C-T. GRCh37 (hg19) VCF-style: chr1-150530452-C-T.
Other names: c.2092C>T, p.Arg698Cys (NM_001288607.2); c.2278C>T, p.Arg760Cys (NM_001288608.2); c.2209C>T, p.Arg737Cys (NM_001378596.1, NM_025008.5); c.2209C>T (NM_019032.4); short protein forms R760C, R698C, R737C.
Identifiers: ClinVar variation 2078419 (VCV002078419.2), dbSNP rs377733557, ClinGen allele CA1078585.